The following is an entry in ClinVar:

NM_145290.4(ADGRA3):c.3781A>G (p.Ser1261Gly)

Gene: ADGRA3 (adhesion G protein-coupled receptor A3; minus strand). Cytogenetic location: 4p15.2.
Variant type: single nucleotide variant.
Coding change: c.3781A>G on transcript NM_145290.4 (MANE Select); coding-DNA position 3781, A replaced by G.
Protein change: p.Ser1261Gly; replaces serine 1261 with glycine.
Molecular consequence: missense variant.
Genome position (GRCh38, 1-based): chr4:22,387,890, T>C on the plus strand (A>G on the coding strand, the complement: ADGRA3 is on the minus strand). VCF-style: chr4-22387890-T-C. GRCh37 (hg19) VCF-style: chr4-22389513-T-C.
Other names: short protein forms S1261G.
Identifiers: ClinVar variation 2869411 (VCV002869411.3), dbSNP rs762044074, ClinGen allele CA2873300.

ClinVar aggregate classification (germline): Uncertain significance (1 of 4 stars; one submission).

Allele frequency attached by ClinVar (database versions not stated): ExAC 0.00002; gnomAD exomes below 0.00001; gnomAD 0.00001.
gnomAD v4.1: 5 of 1,614,022 alleles (0.00031%); highest among the groups gnomAD compares: Non-Finnish European, 0.00042%; no homozygotes.

Submission:

Labcorp Genetics (formerly Invitae), Labcorp
Classification: Uncertain significance. Last evaluated: 2025-07-24. Review status: criteria provided, single submitter. Criteria: Invitae Variant Classification Sherloc (09022015). Collection method: clinical testing. Allele origin: germline.
Comment: This sequence change replaces serine, which is neutral and polar, with glycine, which is neutral and non-polar, at codon 1261 of the ADGRA3 protein (p.Ser1261Gly). This variant is present in population databases (rs762044074, gnomAD 0.002%). This variant has not been reported in the literature in individuals affected with ADGRA3-related conditions. ClinVar contains an entry for this variant (Variation ID: 2869411). An algorithm developed to predict the effect of missense changes on protein structure and function outputs the following: PolyPhen-2: "Benign". The glycine amino acid residue is found in multiple mammalian species, which suggests that this missense change does not adversely affect protein function. In summary, the available evidence is currently insufficient to determine the role of this variant in disease. Therefore, it has been classified as a Variant of Uncertain Significance.